The following is an entry in ClinVar:

NM_004655.4(AXIN2):c.1200+8G>C

Gene: AXIN2 (axin 2; minus strand). Cytogenetic location: 17q24.1.
Variant type: single nucleotide variant.
Coding change: c.1200+8G>C on transcript NM_004655.4 (MANE Select); 8 bases into the intron after coding-DNA position 1200, G replaced by C.
Molecular consequence: intron variant.
Genome position (GRCh38, 1-based): chr17:65,538,195, C>G on the plus strand (G>C on the coding strand, the complement: AXIN2 is on the minus strand). VCF-style: chr17-65538195-C-G. GRCh37 (hg19) VCF-style: chr17-63534313-C-G.
Other names: c.1200+8G>C (NM_001363813.1).
Identifiers: ClinVar variation 3379097 (VCV003379097.1).

ClinVar aggregate classification (germline): Likely benign (1 of 4 stars; one submission).

Conditions:
Oligodontia-cancer predisposition syndrome. Also called: TOOTH AGENESIS-COLORECTAL CANCER SYNDROME. Identifiers: Orphanet 300576, MedGen C1837750, MONDO:0012075, OMIM 608615. Disease mechanism: loss of function.

Submission:

Myriad Genetics, Inc.
Classification: Likely benign for Oligodontia-cancer predisposition syndrome. Last evaluated: 2024-07-01. Review status: criteria provided, single submitter. Criteria: Myriad Autosomal Dominant, Autosomal Recessive and X-Linked Classification Criteria (2023). Collection method: clinical testing. Allele origin: unknown.
Comment: This variant is considered likely benign. This variant is intronic and is not expected to impact mRNA splicing.